The following is an entry in ClinVar:

NM_000548.5(TSC2):c.485A>C (p.Asp162Ala)

Gene: TSC2 (TSC complex subunit 2; plus strand). Cytogenetic location: 16p13.3.
Variant type: single nucleotide variant.
Coding change: c.485A>C on transcript NM_000548.5 (MANE Select); coding-DNA position 485, A replaced by C.
Protein change: p.Asp162Ala; replaces aspartic acid 162 with alanine.
Molecular consequence: missense variant. On other transcripts: 5 prime UTR variant (13), non-coding transcript variant (5), intron variant (7).
Genome position (GRCh38, 1-based): chr16:2,055,405, A>C. VCF-style: chr16-2055405-A-C. GRCh37 (hg19) VCF-style: chr16-2105406-A-C.
Other names: c.-947A>C (NM_001406691.1, NM_001406692.1, NM_001406697.1 and 2 more transcripts); c.-1163A>C (NM_001406693.1); c.-828A>C (NM_001406694.1, NM_001406695.1); c.-935A>C (NM_001406696.1); c.-1123A>C (NM_001406698.1); c.485A>C, p.Asp162Ala (NM_021055.3, NM_001077183.3, NM_001114382.3 and 8 more transcripts); c.37-14A>C (NM_001406681.1); c.-1-791A>C (NM_001406682.1, NM_001406684.1, NM_001406685.1 and 3 more transcripts); and 6 more; short protein forms D113A, D143A, D125A, D162A, D173A, D192A.
Identifiers: ClinVar variation 4192176 (VCV004192176.1).

ClinVar aggregate classification (germline): Uncertain significance (1 of 4 stars; one submission).

Conditions:
Hereditary cancer-predisposing syndrome. Also called: Neoplastic Syndromes, Hereditary; Tumor predisposition; Hereditary Cancer Syndrome; Hereditary neoplastic syndrome. Identifiers: Orphanet 140162, MedGen C0027672, MeSH D009386, MONDO:0015356.

Submission:

Ambry Genetics
Classification: Uncertain significance for Hereditary cancer-predisposing syndrome. Last evaluated: 2025-08-10. Review status: criteria provided, single submitter. Criteria: Ambry Variant Classification Scheme 2023. Collection method: clinical testing. Allele origin: germline.
Comment: The p.D162A variant (also known as c.485A>C), located in coding exon 5 of the TSC2 gene, results from an A to C substitution at nucleotide position 485. The aspartic acid at codon 162 is replaced by alanine, an amino acid with dissimilar properties. This amino acid position is conserved. In addition, the in silico prediction for this alteration is inconclusive. Based on the available evidence, the clinical significance of this variant remains unclear.